The following is an entry in ClinVar:

NM_001903.5(CTNNA1):c.*10G>A

Gene: CTNNA1 (catenin alpha 1; plus strand). Cytogenetic location: 5q31.2.
Variant type: single nucleotide variant.
Coding change: c.*10G>A on transcript NM_001903.5 (MANE Select); 10 bases downstream of the stop codon, G replaced by A.
Molecular consequence: 3 prime UTR variant.
Genome position (GRCh38, 1-based): chr5:138,934,099, G>A. VCF-style: chr5-138934099-G-A. GRCh37 (hg19) VCF-style: chr5-138269788-G-A.
Other names: c.*276G>A (NM_001290307.3, NM_001324002.1, NM_001324003.1 and 2 more transcripts); c.*10G>A (NM_001290309.3, NM_001290310.3, NM_001290312.1 and 28 more transcripts).
Identifiers: ClinVar variation 3773339 (VCV003773339.1).

ClinVar aggregate classification (germline): Benign (1 of 4 stars; one submission).

Conditions:
Hereditary diffuse gastric adenocarcinoma (HDGC). Also called: DIFFUSE GASTRIC AND LOBULAR BREAST CANCER SYNDROME. Identifiers: Orphanet 26106, MedGen C1708349, MONDO:0007648, OMIM 137215.

gnomAD v4.1: 3 of 1,604,250 alleles (0.00019%); highest among the groups gnomAD compares: Non-Finnish European, 0.00026%; no homozygotes.

Submission:

Myriad Genetics, Inc.
Classification: Benign for Hereditary diffuse gastric adenocarcinoma. Last evaluated: 2024-10-16. Review status: criteria provided, single submitter. Criteria: Myriad Autosomal Dominant, Autosomal Recessive and X-Linked Classification Criteria (2023). Collection method: clinical testing. Allele origin: unknown.
Comment: This variant is considered benign. This variant occurs in the non-coding 3' untranslated region of the gene, and is not expected to impact protein function.